The following is an entry in ClinVar:

ClinVar aggregate classification (germline): Uncertain significance (1 of 4 stars; one submission).

Allele frequency attached by ClinVar (database versions not stated): TOPMed below 0.00001.

Submission:

GeneDx
Classification: Uncertain significance. Last evaluated: 2022-11-08. Review status: criteria provided, single submitter. Criteria: GeneDx Variant Classification Process June 2021. Collection method: clinical testing. Allele origin: germline. Affected: yes.
Comment: Not observed at significant frequency in large population cohorts (gnomAD); In silico analysis supports that this missense variant has a deleterious effect on protein structure/function; Has not been previously published as pathogenic or benign to our knowledge

NM_006015.6(ARID1A):c.3302A>G (p.Tyr1101Cys)

Gene: ARID1A (AT-rich interaction domain 1A; plus strand). Cytogenetic location: 1p36.11.
Variant type: single nucleotide variant.
Coding change: c.3302A>G on transcript NM_006015.6 (MANE Select); coding-DNA position 3302, A replaced by G.
Protein change: p.Tyr1101Cys; replaces tyrosine 1101 with cysteine.
Molecular consequence: missense variant.
Genome position (GRCh38, 1-based): chr1:26,771,222, A>G. VCF-style: chr1-26771222-A-G. GRCh37 (hg19) VCF-style: chr1-27097713-A-G.
Other names: c.3302A>G, p.Tyr1101Cys (NM_139135.4); short protein forms Y1101C.
Identifiers: ClinVar variation 2501412 (VCV002501412.1), dbSNP rs1023884503, ClinGen allele CA19805382.
Genomic context (GRCh38, chr1:26,771,222, plus strand): 5'-ATGTGGGCACATCAAGCAGTGCTGCCAGCTCCTTGAAAAAGCAGTATATCCAGTGTCTCT[A>G]TGCCTTTGAATGCAAGATTGAACGGGGAGAAGACCCTCCCCCAGACATCTTTGCAGCTGC-3'
Protein context (NP_006006.3, residues 1091-1111): SLKKQYIQCL[Tyr1101Cys]AFECKIERGE